The following is an entry in ClinVar:

NM_000390.4(CHM):c.820-1G>C

Gene: CHM (CHM Rab escort protein; minus strand). Cytogenetic location: Xq21.2.
Variant type: single nucleotide variant.
Coding change: c.820-1G>C on transcript NM_000390.4 (MANE Select); the canonical splice acceptor site of the intron before coding-DNA position 820, G replaced by C.
Molecular consequence: splice acceptor variant.
Genome position (GRCh38, 1-based): chrX:85,957,976, C>G on the plus strand (G>C on the coding strand, the complement: CHM is on the minus strand). VCF-style: chrX-85957976-C-G. GRCh37 (hg19) VCF-style: chrX-85212981-C-G.
Other names: c.376-1G>C (NM_001362519.1, NM_001362517.1, NM_001320959.1 and 1 more transcripts).
Identifiers: ClinVar variation 1069211 (VCV001069211.7), dbSNP rs1930090887, ClinGen allele CA413785931.

ClinVar aggregate classification (germline): Pathogenic (1 of 4 stars; one submission).

Submission:

Labcorp Genetics (formerly Invitae), Labcorp
Classification: Pathogenic. Last evaluated: 2024-01-19. Review status: criteria provided, single submitter. Criteria: Invitae Variant Classification Sherloc (09022015). Collection method: clinical testing. Allele origin: germline.
Comment: This sequence change affects an acceptor splice site in intron 6 of the CHM gene. RNA analysis indicates that disruption of this splice site induces altered splicing and may result in an absent or disrupted protein product. This variant is not present in population databases (gnomAD no frequency). Disruption of this splice site has been observed in individual(s) with CHM-related conditions (PMID: 28112135). ClinVar contains an entry for this variant (Variation ID: 1069211). Studies have shown that disruption of this splice site results in skipping of exon 7 and introduces a premature termination codon (PMID: 15465555). The resulting mRNA is expected to undergo nonsense-mediated decay. For these reasons, this variant has been classified as Pathogenic.

Literature cited by the submitters: PubMed 28112135; PubMed 15465555.